The following is an entry in ClinVar:

ClinVar aggregate classification (germline): Uncertain significance (1 of 4 stars; one submission).

Conditions:
Hereditary cancer-predisposing syndrome. Also called: Neoplastic Syndromes, Hereditary; Tumor predisposition; Hereditary Cancer Syndrome; Hereditary neoplastic syndrome. Identifiers: Orphanet 140162, MedGen C0027672, MeSH D009386, MONDO:0015356.

Submission:

Ambry Genetics
Classification: Uncertain significance for Hereditary cancer-predisposing syndrome. Last evaluated: 2021-06-14. Review status: criteria provided, single submitter. Criteria: Ambry Variant Classification Scheme 2023. Collection method: clinical testing. Allele origin: germline.
Comment: The c.3402_3419del18 variant (also known as p.Y1135_S1140del) is located in coding exon 10 of the BRCA2 gene. This variant results from an in-frame CTACATATTGCAGAAGAG deletion at nucleotide positions 3402 to 3419. This results in the in-frame deletion of nine amino acids at codons 1135 to 1140. Based on data from gnomAD, the c.3402_3419del18 allele has an overall frequency of 0% (0/250842) total alleles studied. This amino acid region is not well conserved in available vertebrate species. Since supporting evidence is limited at this time, the clinical significance of this alteration remains unclear.

NM_000059.4(BRCA2):c.3402_3419del (p.Tyr1135_Ser1140del)

Gene: BRCA2 (BRCA2 DNA repair associated; plus strand). Cytogenetic location: 13q13.1.
Variant type: Deletion.
Coding change: c.3402_3419del on transcript NM_000059.4 (MANE Select); coding-DNA positions 3402 to 3419, 18 bases deleted (CTACATATTGCAGAAGAG).
Protein change: p.Tyr1135_Ser1140del.
Molecular consequence: inframe deletion. On other transcripts: inframe indel (2).
Genome position (GRCh38, 1-based): chr13:32,337,757-32,337,774, CTACATATTGCAGAAGAG deleted; deleting any 18 consecutive bases within chr13:32,337,755-32,337,774 gives the same sequence; the c. name uses the placement nearest the transcript's 3' end. VCF-style (leftmost placement, unchanged base first): chr13-32337754-AAGCTACATATTGCAGAAG-A. GRCh37 (hg19) VCF-style: chr13-32911891-AAGCTACATATTGCAGAAG-A.
Other names: c.3402_3419del18, p.Tyr1135_Ser1140del (NM_001406719.1, NM_001406720.1).
Identifiers: ClinVar variation 1731076 (VCV001731076.2), dbSNP rs2548525850, ClinGen allele CA2580087071.